The following is an entry in ClinVar:

NM_020911.2(PLXNA4):c.4200C>T (p.Tyr1400=)

Gene: PLXNA4 (plexin A4; minus strand). Cytogenetic location: 7q32.3.
Variant type: single nucleotide variant.
Coding change: c.4200C>T on transcript NM_020911.2 (MANE Select); coding-DNA position 4200, C replaced by T.
Protein change: p.Tyr1400=; no amino-acid change (tyrosine 1400 retained).
Molecular consequence: synonymous variant.
Genome position (GRCh38, 1-based): chr7:132,168,390, G>A on the plus strand (C>T on the coding strand, the complement: PLXNA4 is on the minus strand). VCF-style: chr7-132168390-G-A. GRCh37 (hg19) VCF-style: chr7-131853149-G-A.
Other names: c.4200C>T, p.Tyr1400= (NM_001393897.1).
Identifiers: ClinVar variation 3054979 (VCV003054979.2), dbSNP rs200917567, ClinGen allele CA4489259.

ClinVar aggregate classification (germline): Likely benign (0 of 4 stars; one submission).

Conditions:
PLXNA4-related disorder. Also called: PLXNA4-related condition.

Allele frequency attached by ClinVar (database versions not stated): ESP Exome Variant Server 0.00008; gnomAD exomes 0.00011; TOPMed 0.00012; gnomAD 0.00014; ExAC 0.00019; 1000 Genomes Project 0.00020; 1000 Genomes Project 30x 0.00031.
gnomAD v4.1: 177 of 1,613,256 alleles (0.011%); highest among the groups gnomAD compares: African/African-American, 0.021%; 1 homozygote.

Submission:

PreventionGenetics, part of Exact Sciences
Classification: Likely benign for PLXNA4-related condition. Last evaluated: 2021-06-18. Review status: no assertion criteria provided. Collection method: clinical testing. Allele origin: germline.
Comment: This variant is classified as likely benign based on ACMG/AMP sequence variant interpretation guidelines (Richards et al. 2015 PMID: 25741868, with internal and published modifications).